The following is an entry in ClinVar:

NM_020822.3(KCNT1):c.1510+4C>A

Gene: KCNT1 (potassium sodium-activated channel subfamily T member 1; plus strand). Cytogenetic location: 9q34.3.
Variant type: single nucleotide variant.
Coding change: c.1510+4C>A on transcript NM_020822.3 (MANE Select); 4 bases into the intron after coding-DNA position 1510, C replaced by A.
Molecular consequence: intron variant.
Genome position (GRCh38, 1-based): chr9:135,768,941, C>A. VCF-style: chr9-135768941-C-A. GRCh37 (hg19) VCF-style: chr9-138660787-C-A.
Other names: c.1375+4C>A (NM_001272003.2).
Identifiers: ClinVar variation 4793454 (VCV004793454.1).

ClinVar aggregate classification (germline): Uncertain significance (1 of 4 stars; one submission).

Conditions:
Autosomal dominant nocturnal frontal lobe epilepsy 5. Also called: CILIARY DYSKINESIA, PRIMARY, 28, WITH SITUS INVERSUS; Epilepsy, nocturnal frontal lobe, 5; CILIARY DYSKINESIA, PRIMARY, 28, WITHOUT SITUS INVERSUS; KCNT1-Related Epilepsy. Identifiers: Orphanet 98784, MedGen C3554306, MONDO:0014002, OMIM 615005.
Developmental and epileptic encephalopathy, 14 (DEE14). Also called: Early infantile epileptic encephalopathy 14. Identifiers: Orphanet 293181, MedGen C3554195, MONDO:0013989, OMIM 614959.

gnomAD v4.1: 2 of 1,607,212 alleles (0.00012%); highest among the groups gnomAD compares: Non-Finnish European, 0.000085%; no homozygotes.

Submission:

Labcorp Genetics (formerly Invitae), Labcorp
Classification: Uncertain significance for Autosomal dominant nocturnal frontal lobe epilepsy 5; Developmental and epileptic encephalopathy, 14. Last evaluated: 2025-10-26. Review status: criteria provided, single submitter. Criteria: Invitae Variant Classification Sherloc (09022015). Collection method: clinical testing. Allele origin: germline.
Comment: This sequence change falls in intron 15 of the KCNT1 gene. It does not directly change the encoded amino acid sequence of the KCNT1 protein. It affects a nucleotide within the consensus splice site. This variant is not present in population databases (gnomAD no frequency). This variant has not been reported in the literature in individuals affected with KCNT1-related conditions. Variants that disrupt the consensus splice site are a relatively common cause of aberrant splicing (PMID: 17576681, 9536098). Algorithms developed to predict the effect of sequence changes on RNA splicing suggest that this variant is not likely to affect RNA splicing. In summary, the available evidence is currently insufficient to determine the role of this variant in disease. Therefore, it has been classified as a Variant of Uncertain Significance.

Literature cited by the submitters: PubMed 17576681; PubMed 9536098.